The following is an entry in ClinVar:

NM_004370.6(COL12A1):c.3827C>T (p.Thr1276Ile)

Gene: COL12A1 (collagen type XII alpha 1 chain; minus strand). Cytogenetic location: 6q13.
Variant type: single nucleotide variant.
Coding change: c.3827C>T on transcript NM_004370.6 (MANE Select); coding-DNA position 3827, C replaced by T.
Protein change: p.Thr1276Ile; replaces threonine 1276 with isoleucine.
Molecular consequence: missense variant.
Genome position (GRCh38, 1-based): chr6:75,152,139, G>A on the plus strand (C>T on the coding strand, the complement: COL12A1 is on the minus strand). VCF-style: chr6-75152139-G-A. GRCh37 (hg19) VCF-style: chr6-75861855-G-A.
Other names: c.335C>T, p.Thr112Ile (NM_080645.3); short protein forms T1276I, T112I.
Identifiers: ClinVar variation 2146819 (VCV002146819.4), dbSNP rs1767524549, ClinGen allele CA364748944.

ClinVar aggregate classification (germline): Uncertain significance (1 of 4 stars; one submission).

Conditions:
Ullrich congenital muscular dystrophy 2 (UCMD2). Identifiers: Orphanet 75840, MedGen C4225314, MONDO:0014654, OMIM 616470.
Bethlem myopathy 2 (BTHLM2). Identifiers: Orphanet 536516, Orphanet 610, MedGen C4225313, MONDO:0034022, OMIM 616471.

Allele frequency attached by ClinVar (database versions not stated): gnomAD 0.00001; TOPMed 0.00001.
gnomAD v4.1: 8 of 1,613,726 alleles (0.0005%); highest among the groups gnomAD compares: Non-Finnish European, 0.00068%; no homozygotes.

Submission:

Labcorp Genetics (formerly Invitae), Labcorp
Classification: Uncertain significance for Bethlem myopathy 2; Ullrich congenital muscular dystrophy 2. Last evaluated: 2025-10-02. Review status: criteria provided, single submitter. Criteria: Invitae Variant Classification Sherloc (09022015). Collection method: clinical testing. Allele origin: germline.
Comment: This sequence change replaces threonine, which is neutral and polar, with isoleucine, which is neutral and non-polar, at codon 1276 of the COL12A1 protein (p.Thr1276Ile). This variant is not present in population databases (gnomAD no frequency). This variant has not been reported in the literature in individuals affected with COL12A1-related conditions. ClinVar contains an entry for this variant (Variation ID: 2146819). Invitae Evidence Modeling of protein sequence and biophysical properties (such as structural, functional, and spatial information, amino acid conservation, physicochemical variation, residue mobility, and thermodynamic stability) has been performed for this missense variant. However, the output from this modeling did not meet the statistical confidence thresholds required to predict the impact of this variant on COL12A1 protein function. In summary, the available evidence is currently insufficient to determine the role of this variant in disease. Therefore, it has been classified as a Variant of Uncertain Significance.